The following is an entry in ClinVar:

NM_002292.4(LAMB2):c.3038A>G (p.His1013Arg)

Gene: LAMB2 (laminin subunit beta 2; minus strand). Cytogenetic location: 3p21.31.
Variant type: single nucleotide variant.
Coding change: c.3038A>G on transcript NM_002292.4 (MANE Select); coding-DNA position 3038, A replaced by G.
Protein change: p.His1013Arg; replaces histidine 1013 with arginine.
Molecular consequence: missense variant.
Genome position (GRCh38, 1-based): chr3:49,124,772, T>C on the plus strand (A>G on the coding strand, the complement: LAMB2 is on the minus strand). VCF-style: chr3-49124772-T-C. GRCh37 (hg19) VCF-style: chr3-49162205-T-C.
Other names: short protein forms H1013R.
Identifiers: ClinVar variation 962147 (VCV000962147.6), dbSNP rs2045392366, ClinGen allele CA352713701.

ClinVar aggregate classification (germline): Uncertain significance. Review status: criteria provided, multiple submitters, no conflicts (2 of 4 stars). 2 submissions from 2 submitters: Uncertain significance (2). Last evaluated 2022-03-01.

Conditions:
LAMB2-related infantile-onset nephrotic syndrome. Also called: NEPHROTIC SYNDROME, TYPE 5, WITHOUT OCULAR ABNORMALITIES; NEPHROTIC SYNDROME, TYPE 5, WITH OCULAR ABNORMALITIES; Nephrotic Syndrome, type 5. Identifiers: Orphanet 306507, MedGen C3280113, MONDO:0013621, OMIM 614199.
Pierson syndrome. Also called: MICROCORIA-CONGENITAL NEPHROTIC SYNDROME. Identifiers: Orphanet 2670, MedGen C1836876, MONDO:0012184, OMIM 609049.

Submissions (2):

Fulgent Genetics
Classification: Uncertain significance for Pierson syndrome; LAMB2-related infantile-onset nephrotic syndrome. Last evaluated: 2022-03-01. Review status: criteria provided, single submitter. Criteria: ACMG Guidelines, 2015. Collection method: clinical testing. Allele origin: unknown.

Labcorp Genetics (formerly Invitae), Labcorp
Classification: Uncertain significance for LAMB2-related infantile-onset nephrotic syndrome; Pierson syndrome. Last evaluated: 2021-02-23. Review status: criteria provided, single submitter. Criteria: Invitae Variant Classification Sherloc (09022015). Collection method: clinical testing. Allele origin: germline.
Comment: In summary, the available evidence is currently insufficient to determine the role of this variant in disease. Therefore, it has been classified as a Variant of Uncertain Significance. Algorithms developed to predict the effect of missense changes on protein structure and function are either unavailable or do not agree on the potential impact of this missense change (SIFT: "Deleterious"; PolyPhen-2: "Benign"; Align-GVGD: "Class C0"). This variant has not been reported in the literature in individuals with LAMB2-related conditions. ClinVar contains an entry for this variant (Variation ID: 962147). This variant is not present in population databases (ExAC no frequency). This sequence change replaces histidine with arginine at codon 1013 of the LAMB2 protein (p.His1013Arg). The histidine residue is moderately conserved and there is a small physicochemical difference between histidine and arginine.